The following is an entry in ClinVar:

NM_006397.3(RNASEH2A):c.757A>G (p.Ile253Val)

Gene: RNASEH2A (ribonuclease H2 subunit A; plus strand). Cytogenetic location: 19p13.13.
Variant type: single nucleotide variant.
Coding change: c.757A>G on transcript NM_006397.3 (MANE Select); coding-DNA position 757, A replaced by G.
Protein change: p.Ile253Val; replaces isoleucine 253 with valine.
Molecular consequence: missense variant.
Genome position (GRCh38, 1-based): chr19:12,813,202, A>G. VCF-style: chr19-12813202-A-G. GRCh37 (hg19) VCF-style: chr19-12924016-A-G.
Other names: short protein forms I253V.
Identifiers: ClinVar variation 2094808 (VCV002094808.1), dbSNP rs781485261, ClinGen allele CA9232023.

ClinVar aggregate classification (germline): Uncertain significance (1 of 4 stars; one submission).

Conditions:
Aicardi-Goutieres syndrome 4. Identifiers: Orphanet 51, MedGen C1835912, MONDO:0012472, OMIM 610333.

Allele frequency attached by ClinVar (database versions not stated): ExAC 0.00001; gnomAD 0.00001; gnomAD exomes 0.00001; TOPMed 0.00001.
gnomAD v4.1: 5 of 1,613,848 alleles (0.00031%); highest among the groups gnomAD compares: African/African-American, 0.0053%; no homozygotes.

Submission:

Labcorp Genetics (formerly Invitae), Labcorp
Classification: Uncertain significance for Aicardi-Goutieres syndrome 4. Last evaluated: 2022-03-11. Review status: criteria provided, single submitter. Criteria: Invitae Variant Classification Sherloc (09022015). Collection method: clinical testing. Allele origin: germline.
Comment: This sequence change replaces isoleucine, which is neutral and non-polar, with valine, which is neutral and non-polar, at codon 253 of the RNASEH2A protein (p.Ile253Val). This variant is present in population databases (rs781485261, gnomAD 0.008%). This variant has not been reported in the literature in individuals affected with RNASEH2A-related conditions. Algorithms developed to predict the effect of missense changes on protein structure and function output the following: SIFT: "Tolerated"; PolyPhen-2: "Benign"; Align-GVGD: "Class C0". The valine amino acid residue is found in multiple mammalian species, which suggests that this missense change does not adversely affect protein function. In summary, the available evidence is currently insufficient to determine the role of this variant in disease. Therefore, it has been classified as a Variant of Uncertain Significance.